The following is an entry in ClinVar:

ClinVar aggregate classification (germline): Benign/Likely benign. Review status: criteria provided, multiple submitters, no conflicts (2 of 4 stars). 5 submissions from 5 submitters: Benign (1); Likely benign (3). 1 of the submissions does not count toward it. Last evaluated 2025-12-15.

Conditions:
Hereditary cancer-predisposing syndrome. Also called: Tumor predisposition; Hereditary neoplastic syndrome; Hereditary Cancer Syndrome; Neoplastic Syndromes, Hereditary. Identifiers: Orphanet 140162, MedGen C0027672, MeSH D009386, MONDO:0015356.
Hereditary breast ovarian cancer syndrome. Also called: Hereditary breast and/or ovarian cancer syndrome; Breast and ovarian cancer; Hereditary breast and ovarian cancer syndrome; Hereditary breast and ovarian cancer; Hereditary breast and ovarian cancer syndrome (HBOC); BRCA1- and BRCA2-Associated Hereditary Breast and Ovarian Cancer. Identifiers: Orphanet 145, MedGen C0677776, MeSH D061325, MONDO:0003582. Disease mechanism: loss of function.
Breast-ovarian cancer, familial, susceptibility to, 1 (BROVCA1). Also called: BRCA1 Hereditary Breast and Ovarian Cancer; OVARIAN CANCER, SUSCEPTIBILITY TO. Identifiers: Orphanet 145, MedGen C2676676, MONDO:0011450, OMIM 604370. Disease mechanism: loss of function.

Allele frequency attached by ClinVar (database versions not stated): TOPMed below 0.00001; gnomAD 0.00001; gnomAD exomes 0.00001.
gnomAD v4.1: 8 of 1,603,810 alleles (0.0005%); highest among the groups gnomAD compares: East Asian, 0.0022%; no homozygotes.

Submissions (5):

Labcorp Genetics (formerly Invitae), Labcorp
Classification: Likely benign for Hereditary breast ovarian cancer syndrome. Last evaluated: 2025-12-15. Review status: criteria provided, single submitter. Criteria: Invitae Variant Classification Sherloc (09022015). Collection method: clinical testing. Allele origin: germline.

Women's Health and Genetics/Laboratory Corporation of America, LabCorp
Classification: Likely benign. Last evaluated: 2023-09-18. Review status: criteria provided, single submitter. Criteria: LabCorp Variant Classification Summary - May 2015. Collection method: clinical testing. Allele origin: germline.
Comment: Variant summary: BRCA1 c.4097-20C>T alters a non-conserved nucleotide located at a position not widely known to affect splicing. Consensus agreement among computation tools predict no significant impact on normal splicing. However, these predictions have yet to be confirmed by functional studies. The variant allele was found at a frequency of 3.2e-05 in 31410 control chromosomes (gnomAD). The available data on variant occurrences in the general population are insufficient to allow any conclusion about variant significance. To our knowledge, no occurrence of c.4097-20C>T in individuals affected with Hereditary Breast And Ovarian Cancer Syndrome and no experimental evidence demonstrating its impact on protein function have been reported. Two submitters have cited clinical-significance assessments for this variant to ClinVar after 2014. Both submitters classified the variant as likely benign. Based on the evidence outlined above, the variant was classified as likely benign.

Color Diagnostics, LLC DBA Color Health
Classification: Likely benign for Hereditary cancer-predisposing syndrome. Last evaluated: 2018-03-20. Review status: criteria provided, single submitter. Criteria: ACMG Guidelines, 2015. Collection method: clinical testing. Allele origin: germline.

GeneDx
Classification: Benign. Last evaluated: 2014-10-01. Review status: criteria provided, single submitter. Criteria: GeneDx Variant Classification (06012015). Collection method: clinical testing. Allele origin: germline. Affected: yes.
Comment: This variant is considered likely benign or benign based on one or more of the following criteria: it is a conservative change, it occurs at a poorly conserved position in the protein, it is predicted to be benign by multiple in silico algorithms, and/or has population frequency not consistent with disease.

Breast Cancer Information Core (BIC) (BRCA1)
Classification: Uncertain significance for Breast-ovarian cancer, familial 1. Last evaluated: 2004-11-25. Review status: no assertion criteria provided. Collection method: clinical testing. Allele origin: germline. Affected: yes. Observed: 1 variant allele. Not counted in ClinVar's aggregate classification.

NM_007294.4(BRCA1):c.4097-20C>T

Gene: BRCA1 (BRCA1 DNA repair associated; minus strand). Cytogenetic location: 17q21.31.
Variant type: single nucleotide variant.
Coding change: c.4097-20C>T on transcript NM_007294.4 (MANE Select); 20 bases into the intron before coding-DNA position 4097, C replaced by T.
Molecular consequence: intron variant.
Genome position (GRCh38, 1-based): chr17:43,091,052, G>A on the plus strand (C>T on the coding strand, the complement: BRCA1 is on the minus strand). VCF-style: chr17-43091052-G-A. GRCh37 (hg19) VCF-style: chr17-41243069-G-A.
Other names: IVS11-20C>T; c.647-20C>T (NM_001408458.1, NM_001408469.1, NM_001408453.1 and 11 more transcripts); c.3209-20C>T (NM_001407967.1, NM_001407966.1); c.3716-20C>T (NM_001407959.1, NM_001407963.1, NM_001407960.1); c.3830-20C>T (NM_001407931.1, NM_001407932.1, NM_001407934.1 and 2 more transcripts); c.3953-20C>T (NM_001407747.1, NM_001407848.1, NM_001407839.1 and 20 more transcripts); c.3713-20C>T (NM_001407962.1); c.284-20C>T (NM_001408512.1); and 42 more.
Identifiers: ClinVar variation 125675 (VCV000125675.19), dbSNP rs80358169, ClinGen allele CA002625.
Genomic context (GRCh38, chr17:43,091,052, plus strand): 5'-AGAGACGCTTGTTTCACTCTCACACCCAGATGCTGCTTCACCTTAAATAACAAAAACAGA[G>A]GTTCAGATGTAAAAGCAGACTATAAACGCTGCAACTTGCTGTGTCTTTTTCTTCTCATTG-3'